The following is an entry in ClinVar:

NM_004972.4(JAK2):c.2681A>G (p.Asp894Gly)

Genes: INSL6 (insulin like 6; minus strand), JAK2 (Janus kinase 2; plus strand). Cytogenetic location: 9p24.1.
Variant type: single nucleotide variant.
Coding change: c.2681A>G on transcript NM_004972.4 (MANE Select); coding-DNA position 2681, A replaced by G.
Protein change: p.Asp894Gly; replaces aspartic acid 894 with glycine.
Molecular consequence: missense variant. On other transcripts: non-coding transcript variant (2).
Genome position (GRCh38, 1-based): chr9:5,089,783, A>G. VCF-style: chr9-5089783-A-G. GRCh37 (hg19) VCF-style: chr9-5089783-A-G.
Other names: c.2681A>G, p.Asp894Gly (NM_001322194.2, NM_001322195.2, NM_001322196.2); c.1466A>G, p.Asp489Gly (NM_001322198.2, NM_001322199.2); c.2234A>G, p.Asp745Gly (NM_001322204.2); short protein forms D894G, D489G, D745G.
Identifiers: ClinVar variation 2078814 (VCV002078814.6), dbSNP rs757780497, ClinGen allele CA4972212.

ClinVar aggregate classification (germline): Uncertain significance. Review status: criteria provided, single submitter (1 of 4 stars). 2 submissions from 2 submitters: Uncertain significance (1). 1 of the submissions does not count toward it. Last evaluated 2025-03-31.

Conditions:
JAK2-related disorder. Also called: JAK2-related condition.

Allele frequency attached by ClinVar (database versions not stated): gnomAD 0.00003; gnomAD exomes 0.00003; ExAC 0.00006; TOPMed 0.00006.
gnomAD v4.1: 55 of 1,600,082 alleles (0.0034%); highest among the groups gnomAD compares: Middle Eastern, 0.17%; no homozygotes.

Submissions (2):

Labcorp Genetics (formerly Invitae), Labcorp
Classification: Uncertain significance. Last evaluated: 2025-03-31. Review status: criteria provided, single submitter. Criteria: Invitae Variant Classification Sherloc (09022015). Collection method: clinical testing. Allele origin: germline.
Comment: This sequence change replaces aspartic acid, which is acidic and polar, with glycine, which is neutral and non-polar, at codon 894 of the JAK2 protein (p.Asp894Gly). This variant is present in population databases (rs757780497, gnomAD 0.02%). This variant has not been reported in the literature in individuals affected with JAK2-related conditions. ClinVar contains an entry for this variant (Variation ID: 2078814). Invitae Evidence Modeling of protein sequence and biophysical properties (such as structural, functional, and spatial information, amino acid conservation, physicochemical variation, residue mobility, and thermodynamic stability) indicates that this missense variant is not expected to disrupt JAK2 protein function with a negative predictive value of 80%. In summary, the available evidence is currently insufficient to determine the role of this variant in disease. Therefore, it has been classified as a Variant of Uncertain Significance.

PreventionGenetics, part of Exact Sciences
Classification: Uncertain significance for JAK2-related condition. Last evaluated: 2023-12-14. Review status: no assertion criteria provided. Collection method: clinical testing. Allele origin: germline. Not counted in ClinVar's aggregate classification.
Comment: The JAK2 c.2681A>G variant is predicted to result in the amino acid substitution p.Asp894Gly. To our knowledge, this variant has not been reported in the literature. This variant is reported in 0.018% of alleles in individuals of Latino descent in gnomAD. At this time, the clinical significance of this variant is uncertain due to the absence of conclusive functional and genetic evidence.